The following is an entry in ClinVar:

ClinVar aggregate classification (germline): Uncertain significance (1 of 4 stars; one submission).

Conditions:
Autosomal recessive limb-girdle muscular dystrophy type 2P. Also called: Limb-Girdle Muscular Dystrophy Type 9C; MUSCULAR DYSTROPHY-DYSTROGLYCANOPATHY, LIMB-GIRDLE, DAG1-RELATED; MUSCULAR DYSTROPHY, LIMB-GIRDLE, TYPE 2P. Identifiers: Orphanet 280333, MedGen C4511963, MONDO:0013440, OMIM 613818.
Muscular dystrophy-dystroglycanopathy (congenital with brain and eye anomalies), type A9. Also called: WALKER-WARBURG SYNDROME OR MUSCLE-EYE BRAIN DISEASE, DAG1-RELATED; Muscular dystrophy-dystroglycanopathy (congenital with brain and eye anomalies), type a, 9. Identifiers: Orphanet 370997, Orphanet 899, MedGen C4225291, MONDO:0014683, OMIM 616538.

Allele frequency attached by ClinVar (database versions not stated): gnomAD exomes below 0.00001; gnomAD 0.00001; TOPMed 0.00001.

Submission:

Labcorp Genetics (formerly Invitae), Labcorp
Classification: Uncertain significance for Autosomal recessive limb-girdle muscular dystrophy type 2P; Muscular dystrophy-dystroglycanopathy (congenital with brain and eye anomalies), type A9. Last evaluated: 2022-03-10. Review status: criteria provided, single submitter. Criteria: Invitae Variant Classification Sherloc (09022015). Collection method: clinical testing. Allele origin: germline.
Comment: This sequence change replaces tyrosine, which is neutral and polar, with cysteine, which is neutral and slightly polar, at codon 863 of the DAG1 protein (p.Tyr863Cys). This variant is present in population databases (no rsID available, gnomAD 0.0009%). In summary, the available evidence is currently insufficient to determine the role of this variant in disease. Therefore, it has been classified as a Variant of Uncertain Significance. Algorithms developed to predict the effect of missense changes on protein structure and function are either unavailable or do not agree on the potential impact of this missense change (SIFT: "Deleterious"; PolyPhen-2: "Probably Damaging"; Align-GVGD: "Class C0"). ClinVar contains an entry for this variant (Variation ID: 572700). This variant has not been reported in the literature in individuals affected with DAG1-related conditions.

NM_004393.6(DAG1):c.2588A>G (p.Tyr863Cys)

Gene: DAG1 (dystroglycan 1; plus strand). Cytogenetic location: 3p21.31.
Variant type: single nucleotide variant.
Coding change: c.2588A>G on transcript NM_004393.6 (MANE Select); coding-DNA position 2588, A replaced by G.
Protein change: p.Tyr863Cys; replaces tyrosine 863 with cysteine.
Molecular consequence: missense variant.
Genome position (GRCh38, 1-based): chr3:49,533,099, A>G. VCF-style: chr3-49533099-A-G. GRCh37 (hg19) VCF-style: chr3-49570532-A-G.
Other names: c.2588A>G, p.Tyr863Cys (NM_001165928.4, NM_001177634.3, NM_001177635.3 and 9 more transcripts); short protein forms Y863C.
Identifiers: ClinVar variation 572700 (VCV000572700.5), dbSNP rs1436774690, ClinGen allele CA352798647.